The following is an entry in ClinVar:

ClinVar aggregate classification (germline): Uncertain significance. Review status: criteria provided, multiple submitters, no conflicts (2 of 4 stars). 2 submissions from 2 submitters: Uncertain significance (2). Last evaluated 2026-01-25.

Conditions:
Inborn genetic diseases. Identifiers: MedGen C0950123, MeSH D030342.

Allele frequency attached by ClinVar (database versions not stated): gnomAD exomes below 0.00001; gnomAD 0.00005; ESP Exome Variant Server 0.00008; 1000 Genomes Project 30x 0.00016; 1000 Genomes Project 0.00020; TOPMed 0.00004; ExAC 0.00005.
gnomAD v4.1: 17 of 1,604,136 alleles (0.0011%); highest among the groups gnomAD compares: African/African-American, 0.012%; no homozygotes.

Submissions (2):

Labcorp Genetics (formerly Invitae), Labcorp
Classification: Uncertain significance. Last evaluated: 2026-01-25. Review status: criteria provided, single submitter. Criteria: Invitae Variant Classification Sherloc (09022015). Collection method: clinical testing. Allele origin: germline.
Comment: This sequence change replaces serine, which is neutral and polar, with leucine, which is neutral and non-polar, at codon 1364 of the OBSL1 protein (p.Ser1364Leu). This variant is present in population databases (rs377617217, gnomAD 0.03%). This variant has not been reported in the literature in individuals affected with OBSL1-related conditions. ClinVar contains an entry for this variant (Variation ID: 2615319). An algorithm developed to predict the effect of missense changes on protein structure and function outputs the following: PolyPhen-2: "Benign". The leucine amino acid residue is found in multiple mammalian species, which suggests that this missense change does not adversely affect protein function. In summary, the available evidence is currently insufficient to determine the role of this variant in disease. Therefore, it has been classified as a Variant of Uncertain Significance.

Ambry Genetics
Classification: Uncertain significance for Inborn genetic diseases. Last evaluated: 2023-08-02. Review status: criteria provided, single submitter. Criteria: Ambry Variant Classification Scheme 2023. Collection method: clinical testing. Allele origin: germline.

NM_015311.3(OBSL1):c.4091C>T (p.Ser1364Leu)

Gene: OBSL1 (obscurin like cytoskeletal adaptor 1; minus strand). Cytogenetic location: 2q35.
Variant type: single nucleotide variant.
Coding change: c.4091C>T on transcript NM_015311.3 (MANE Select); coding-DNA position 4091, C replaced by T.
Protein change: p.Ser1364Leu; replaces serine 1364 with leucine.
Molecular consequence: missense variant.
Genome position (GRCh38, 1-based): chr2:219,556,699, G>A on the plus strand (C>T on the coding strand, the complement: OBSL1 is on the minus strand). VCF-style: chr2-219556699-G-A. GRCh37 (hg19) VCF-style: chr2-220421421-G-A.
Other names: c.4091C>T, p.Ser1364Leu (NM_001173431.2); short protein forms S1364L.
Identifiers: ClinVar variation 2615319 (VCV002615319.5), dbSNP rs377617217, ClinGen allele CA2130666.